The following is an entry in ClinVar:

NM_052854.4(CREB3L1):c.277G>A (p.Asp93Asn)

Gene: CREB3L1 (cAMP responsive element binding protein 3 like 1; plus strand). Cytogenetic location: 11p11.2.
Variant type: single nucleotide variant.
Coding change: c.277G>A on transcript NM_052854.4 (MANE Select); coding-DNA position 277, G replaced by A.
Protein change: p.Asp93Asn; replaces aspartic acid 93 with asparagine.
Molecular consequence: missense variant.
Genome position (GRCh38, 1-based): chr11:46,300,109, G>A. VCF-style: chr11-46300109-G-A. GRCh37 (hg19) VCF-style: chr11-46321660-G-A.
Other names: short protein forms D93N.
Identifiers: ClinVar variation 1357684 (VCV001357684.7), dbSNP rs186134647, ClinGen allele CA5961531.

ClinVar aggregate classification (germline): Uncertain significance. Review status: criteria provided, multiple submitters, no conflicts (2 of 4 stars). 2 submissions from 2 submitters: Uncertain significance (2). Last evaluated 2025-07-07.

Conditions:
Osteogenesis imperfecta type 16. Also called: OI, TYPE XVI; Osteogenesis imperfecta, type xvi. Identifiers: Orphanet 666, MedGen C4015610, MONDO:0014544, OMIM 616229.

Allele frequency attached by ClinVar (database versions not stated): gnomAD exomes 0.00003 and 0.00013; gnomAD 0.00006 and 0.00009; TOPMed 0.00009; ExAC 0.00010; 1000 Genomes Project 30x 0.00031; 1000 Genomes Project 0.00040.
gnomAD v4.1: 57 of 1,613,776 alleles (0.0035%); highest among the groups gnomAD compares: East Asian, 0.096%; no homozygotes.

Submissions (2):

Labcorp Genetics (formerly Invitae), Labcorp
Classification: Uncertain significance. Last evaluated: 2025-07-07. Review status: criteria provided, single submitter. Criteria: Invitae Variant Classification Sherloc (09022015). Collection method: clinical testing. Allele origin: germline.
Comment: This sequence change replaces aspartic acid, which is acidic and polar, with asparagine, which is neutral and polar, at codon 93 of the CREB3L1 protein (p.Asp93Asn). This variant is present in population databases (rs186134647, gnomAD 0.2%). This variant has not been reported in the literature in individuals affected with CREB3L1-related conditions. ClinVar contains an entry for this variant (Variation ID: 1357684). An algorithm developed to predict the effect of missense changes on protein structure and function (PolyPhen-2) suggests that this variant is likely to be disruptive. In summary, the available evidence is currently insufficient to determine the role of this variant in disease. Therefore, it has been classified as a Variant of Uncertain Significance.

Fulgent Genetics
Classification: Uncertain significance for Osteogenesis imperfecta type 16. Last evaluated: 2024-05-21. Review status: criteria provided, single submitter. Criteria: ACMG Guidelines, 2015. Collection method: clinical testing. Allele origin: germline.